The following is an entry in ClinVar:

ClinVar aggregate classification (germline): Benign/Likely benign. Review status: criteria provided, multiple submitters, no conflicts (2 of 4 stars). 2 submissions from 2 submitters: Benign (1); Likely benign (1). Last evaluated 2026-08-01.

Allele frequency attached by ClinVar (database versions not stated): 1000 Genomes Project 30x 0.00125; 1000 Genomes Project 0.00160; ExAC 0.00175; gnomAD 0.00238 and 0.00242; TOPMed 0.00238.
gnomAD v4.1: 5,493 of 1,550,572 alleles (0.35%); highest among the groups gnomAD compares: Non-Finnish European, 0.43%; 21 homozygotes.

Submissions (2):

CeGaT Center for Human Genetics Tuebingen
Classification: Benign. Last evaluated: 2026-08-01. Review status: criteria provided, single submitter. Criteria: CeGaT Center For Human Genetics Tuebingen Variant Classification Criteria Version 2. Collection method: clinical testing. Allele origin: germline. Affected: yes. Observed: 40 variant alleles.
Comment: MBD5: BP4, BP7, BS1, BS2

Blueprint Genetics
Classification: Likely benign. Last evaluated: 2023-02-13. Review status: criteria provided, single submitter. Criteria: ACMG Guidelines, 2015. Collection method: clinical testing. Allele origin: germline.

NM_001378120.1(MBD5):c.3207C>T (p.Asn1069=)

Gene: MBD5 (methyl-CpG binding domain protein 5; plus strand). Cytogenetic location: 2q23.1.
Variant type: single nucleotide variant.
Coding change: c.3207C>T on transcript NM_001378120.1 (MANE Select); coding-DNA position 3207, C replaced by T.
Protein change: p.Asn1069=; no amino-acid change (asparagine 1069 retained).
Molecular consequence: synonymous variant. On other transcripts: intron variant (1).
Genome position (GRCh38, 1-based): chr2:148,483,798, C>T. VCF-style: chr2-148483798-C-T. GRCh37 (hg19) VCF-style: chr2-149241367-C-T.
Other names: c.2845+362C>T (NM_018328.5).
Identifiers: ClinVar variation 1675794 (VCV001675794.34), dbSNP rs181919984, ClinGen allele CA1900258.